The following is an entry in ClinVar:

NM_001376.5(DYNC1H1):c.6593A>C (p.Glu2198Ala)

Gene: DYNC1H1 (dynein cytoplasmic 1 heavy chain 1; plus strand). Cytogenetic location: 14q32.31.
Variant type: single nucleotide variant.
Coding change: c.6593A>C on transcript NM_001376.5 (MANE Select); coding-DNA position 6593, A replaced by C.
Protein change: p.Glu2198Ala; replaces glutamic acid 2198 with alanine.
Molecular consequence: missense variant.
Genome position (GRCh38, 1-based): chr14:102,010,927, A>C. VCF-style: chr14-102010927-A-C. GRCh37 (hg19) VCF-style: chr14-102477264-A-C.
Other names: short protein forms E2198A.
Identifiers: ClinVar variation 2804188 (VCV002804188.3), dbSNP rs2503753914, ClinGen allele CA391056154.

ClinVar aggregate classification (germline): Uncertain significance (1 of 4 stars; one submission).

Conditions:
Charcot-Marie-Tooth disease axonal type 2O. Also called: CHARCOT-MARIE-TOOTH NEUROPATHY, AXONAL, TYPE 2O; CHARCOT-MARIE-TOOTH DISEASE, AXONAL, AUTOSOMAL DOMINANT, TYPE 2O; Charcot-Marie-Tooth Neuropathy Type 2O; Charcot-Marie-Tooth disease, axonal, type 20. Identifiers: Orphanet 284232, MedGen C3280220, MONDO:0013644, OMIM 614228.

Submission:

Labcorp Genetics (formerly Invitae), Labcorp
Classification: Uncertain significance for Charcot-Marie-Tooth disease axonal type 2O. Last evaluated: 2022-12-09. Review status: criteria provided, single submitter. Criteria: Invitae Variant Classification Sherloc (09022015). Collection method: clinical testing. Allele origin: germline.
Comment: This variant has not been reported in the literature in individuals affected with DYNC1H1-related conditions. This sequence change replaces glutamic acid, which is acidic and polar, with alanine, which is neutral and non-polar, at codon 2198 of the DYNC1H1 protein (p.Glu2198Ala). This variant is not present in population databases (gnomAD no frequency). Advanced modeling of protein sequence and biophysical properties (such as structural, functional, and spatial information, amino acid conservation, physicochemical variation, residue mobility, and thermodynamic stability) has been performed at Invitae for this missense variant, however the output from this modeling did not meet the statistical confidence thresholds required to predict the impact of this variant on DYNC1H1 protein function. In summary, the available evidence is currently insufficient to determine the role of this variant in disease. Therefore, it has been classified as a Variant of Uncertain Significance.